The following is an entry in ClinVar:

NM_005427.4(TP73):c.1809C>A (p.Gly603=)

Gene: TP73 (tumor protein p73; plus strand). Cytogenetic location: 1p36.32.
Variant type: single nucleotide variant.
Coding change: c.1809C>A on transcript NM_005427.4 (MANE Select); coding-DNA position 1809, C replaced by A.
Protein change: p.Gly603=; no amino-acid change (glycine 603 retained).
Molecular consequence: synonymous variant. On other transcripts: 3 prime UTR variant (6).
Genome position (GRCh38, 1-based): chr1:3,732,977, C>A. VCF-style: chr1-3732977-C-A. GRCh37 (hg19) VCF-style: chr1-3649541-C-A.
Other names: c.1662C>A, p.Gly554= (NM_001126240.3); c.*215C>A (NM_001126241.3, NM_001204184.2, NM_001204186.2 and 1 more transcripts); c.*232C>A (NM_001126242.3, NM_001204185.2); c.1566C>A, p.Gly522= (NM_001204187.2); c.1521C>A, p.Gly507= (NM_001204188.2); c.1419C>A, p.Gly473= (NM_001204190.2); c.1374C>A, p.Gly458= (NM_001204191.2); c.1596C>A, p.Gly532= (NM_001204192.2).
Identifiers: ClinVar variation 5038869 (VCV005038869.1).

ClinVar aggregate classification (germline): Likely benign (1 of 4 stars; one submission).

gnomAD v4.1: 30 of 1,598,096 alleles (0.0019%); highest among the groups gnomAD compares: Non-Finnish European, 0.0021%; no homozygotes.

Submission:

CeGaT Center for Human Genetics Tuebingen
Classification: Likely benign. Last evaluated: 2026-07-01. Review status: criteria provided, single submitter. Criteria: CeGaT Center For Human Genetics Tuebingen Variant Classification Criteria Version 2. Collection method: clinical testing. Allele origin: germline. Affected: yes. Observed: 1 variant allele.
Comment: TP73: BP4, BP7